The following is an entry in ClinVar:

ClinVar aggregate classification (germline): Pathogenic (1 of 4 stars; one submission).

Conditions:
Fabry disease. Also called: Fabry's disease; ALPHA-GALACTOSIDASE A DEFICIENCY; ANDERSON-FABRY DISEASE; CERAMIDE TRIHEXOSIDASE DEFICIENCY; GLA DEFICIENCY; HEREDITARY DYSTOPIC LIPIDOSIS. Identifiers: Orphanet 324, MedGen C0002986, MONDO:0010526, OMIM 301500, HP:0001071. Disease mechanism: Fabry disease is due to inactivating mutations in the X-linked GLA gene resulting in deficiency of the enzyme Alpha Galactosidase-A., loss of function.

Submission:

Genomenon, Inc
Classification: Pathogenic for Fabry disease. Last evaluated: 2026-09-08. Review status: criteria provided, single submitter. Criteria: Genomenon Sequence Variant Interpretation Standards - Updated. Collection method: curation. Allele origin: germline. Affected: yes.
Comment: GLA p.Lys314Ter (c.940A>T) is a nonsense variant that introduces a premature stop codon at amino acid position 314 and is predicted to result in a truncated or absent protein product. This variant has been observed in at least one proband with clinical features consistent with Fabry disease (PMID:37940383). It is absent or not present at a significant frequency in gnomAD. In conclusion, we classify GLA p.Lys314Ter (c.940A>T) as a pathogenic variant.

Literature cited by the submitters: PubMed 37940383.

NM_000169.3(GLA):c.940A>T (p.Lys314Ter)

Genes: GLA (galactosidase alpha; minus strand), RPL36A-HNRNPH2 (RPL36A-HNRNPH2 readthrough; plus strand). Cytogenetic location: Xq22.1.
Variant type: single nucleotide variant.
Coding change: c.940A>T on transcript NM_000169.3 (MANE Select); coding-DNA position 940, A replaced by T.
Protein change: p.Lys314Ter; replaces lysine 314 with a stop codon.
Molecular consequence: nonsense. On other transcripts: non-coding transcript variant (3), intron variant (2).
Genome position (GRCh38, 1-based): chrX:101,398,429, T>A on the plus strand (A>T on the coding strand, the complement: GLA is on the minus strand). VCF-style: chrX-101398429-T-A. GRCh37 (hg19) VCF-style: chrX-100653417-T-A.
Other names: c.1063A>T, p.Lys355Ter (NM_001406747.1); c.940A>T, p.Lys314Ter (NM_001406748.1); c.300+2972T>A (NM_001199973.2); c.177+6607T>A (NM_001199974.2); short protein forms K314*, K355*.
Identifiers: ClinVar variation 4974830 (VCV004974830.1).